The following is an entry in ClinVar:

ClinVar aggregate classification (germline): Uncertain significance. Review status: criteria provided, multiple submitters, no conflicts (2 of 4 stars). 3 submissions from 3 submitters: Uncertain significance (3). Last evaluated 2025-03-26.

Conditions:
Ataxia-telangiectasia syndrome (AT). Also called: Cerebello-oculocutaneous telangiectasia; Immunodeficiency with ataxia telangiectasia; Ataxia-telangiectasia, complementation group E; Ataxia-telangiectasia, complementation group D; AT, COMPLEMENTATION GROUP C; ATAXIA-TELANGIECTASIA, COMPLEMENTATION GROUP A. Identifiers: Orphanet 100, MedGen C0004135, MONDO:0008840, OMIM 208900.
Hereditary cancer-predisposing syndrome. Also called: Hereditary Cancer Syndrome; Neoplastic Syndromes, Hereditary; Hereditary neoplastic syndrome; Tumor predisposition. Identifiers: Orphanet 140162, MedGen C0027672, MeSH D009386, MONDO:0015356.

Submissions (3):

Labcorp Genetics (formerly Invitae), Labcorp
Classification: Uncertain significance for Ataxia-telangiectasia syndrome. Last evaluated: 2025-03-26. Review status: criteria provided, single submitter. Criteria: Invitae Variant Classification Sherloc (09022015). Collection method: clinical testing. Allele origin: germline.
Comment: This sequence change replaces aspartic acid, which is acidic and polar, with tyrosine, which is neutral and polar, at codon 894 of the ATM protein (p.Asp894Tyr). This variant is not present in population databases (gnomAD no frequency). This variant has not been reported in the literature in individuals affected with ATM-related conditions. ClinVar contains an entry for this variant (Variation ID: 821671). Invitae Evidence Modeling of protein sequence and biophysical properties (such as structural, functional, and spatial information, amino acid conservation, physicochemical variation, residue mobility, and thermodynamic stability) has been performed for this missense variant. However, the output from this modeling did not meet the statistical confidence thresholds required to predict the impact of this variant on ATM protein function. In summary, the available evidence is currently insufficient to determine the role of this variant in disease. Therefore, it has been classified as a Variant of Uncertain Significance.

Women's Health and Genetics/Laboratory Corporation of America, LabCorp
Classification: Uncertain significance. Last evaluated: 2020-03-31. Review status: criteria provided, single submitter. Criteria: LabCorp Variant Classification Summary - May 2015. Collection method: clinical testing. Allele origin: germline.
Comment: Variant summary: ATM c.2680G>T (p.Asp894Tyr) results in a non-conservative amino acid change in the encoded protein sequence. Five of five in-silico tools predict a damaging effect of the variant on protein function. The variant was absent in 251336 control chromosomes (gnomAD). The available data on variant occurrences in the general population are insufficient to allow any conclusion about variant significance. To our knowledge, no occurrence of c.2680G>T in individuals affected with Breast Cancer and no experimental evidence demonstrating its impact on protein function have been reported. One clinical diagnostic laboratory has submitted clinical-significance assessments for this variant to ClinVar after 2014 without evidence for independent evaluation, and classified the variant as uncertain significance. Based on the evidence outlined above, the variant was classified as uncertain significance.

Ambry Genetics
Classification: Uncertain significance for Hereditary cancer-predisposing syndrome. Last evaluated: 2019-09-18. Review status: criteria provided, single submitter. Criteria: Ambry Variant Classification Scheme 2023. Collection method: clinical testing. Allele origin: germline.
Comment: The p.D894Y variant (also known as c.2680G>T), located in coding exon 17 of the ATM gene, results from a G to T substitution at nucleotide position 2680. The aspartic acid at codon 894 is replaced by tyrosine, an amino acid with highly dissimilar properties. This amino acid position is well conserved in available vertebrate species. In addition, this alteration is predicted to be deleterious by in silico analysis. Since supporting evidence is limited at this time, the clinical significance of this alteration remains unclear.

NM_000051.4(ATM):c.2680G>T (p.Asp894Tyr)

Gene: ATM (ATM serine/threonine kinase; plus strand). Cytogenetic location: 11q22.3.
Variant type: single nucleotide variant.
Coding change: c.2680G>T on transcript NM_000051.4 (MANE Select); coding-DNA position 2680, G replaced by T.
Protein change: p.Asp894Tyr; replaces aspartic acid 894 with tyrosine.
Molecular consequence: missense variant.
Genome position (GRCh38, 1-based): chr11:108,268,451, G>T. VCF-style: chr11-108268451-G-T. GRCh37 (hg19) VCF-style: chr11-108139178-G-T.
Other names: c.2680G>T, p.Asp894Tyr (NM_001351834.2); short protein forms D894Y.
Identifiers: ClinVar variation 821671 (VCV000821671.14), dbSNP rs1400094698, ClinGen allele CA382545140.